The following is an entry in ClinVar:

NM_000038.6(APC):c.7657A>G (p.Lys2553Glu)

Gene: APC (APC regulator of Wnt signaling pathway; plus strand). Cytogenetic location: 5q22.2.
Variant type: single nucleotide variant.
Coding change: c.7657A>G on transcript NM_000038.6 (MANE Select); coding-DNA position 7657, A replaced by G.
Protein change: p.Lys2553Glu; replaces lysine 2553 with glutamic acid.
Molecular consequence: missense variant.
Genome position (GRCh38, 1-based): chr5:112,843,251, A>G. VCF-style: chr5-112843251-A-G. GRCh37 (hg19) VCF-style: chr5-112178948-A-G.
Other names: c.7657A>G, p.Lys2553Glu (NM_001127510.3, NM_001354895.2); c.7603A>G, p.Lys2535Glu (NM_001127511.3); c.7711A>G, p.Lys2571Glu (NM_001354896.2); c.7687A>G, p.Lys2563Glu (NM_001354897.2); c.7582A>G, p.Lys2528Glu (NM_001354898.2); c.7573A>G, p.Lys2525Glu (NM_001354899.2); c.7534A>G, p.Lys2512Glu (NM_001354900.2); c.7480A>G, p.Lys2494Glu (NM_001354901.2); and 5 more; short protein forms K2270E, K2393E, K2427E, K2452E, K2462E, K2494E, K2512E, K2525E.
Identifiers: ClinVar variation 1027327 (VCV001027327.10), dbSNP rs772318413, ClinGen allele CA048861.
Genomic context (GRCh38, chr5:112,843,251, plus strand): 5'-TCTGAAAGTCCTTCTAGACTTCCAATCAATAGGTCAGGAACCTGGAAACGTGAGCACAGC[A>G]AACATTCATCATCCCTTCCTCGAGTAAGCACTTGGAGAAGAACTGGAAGTTCATCTTCAA-3'
Protein context (NP_000029.2, residues 2543-2563): RSGTWKREHS[Lys2553Glu]HSSSLPRVST

ClinVar aggregate classification (germline): Uncertain significance (1 of 4 stars; one submission).

Conditions:
Familial adenomatous polyposis 1 (FAP1). Also called: FAMILIAL ADENOMATOUS POLYPOSIS 1, ATTENUATED; POLYPOSIS, ADENOMATOUS INTESTINAL. Identifiers: MedGen C2713442, MONDO:0021056, OMIM 175100. Disease mechanism: loss of function.

Allele frequency attached by ClinVar (database versions not stated): gnomAD exomes below 0.00001; ExAC 0.00001.

Submission:

Labcorp Genetics (formerly Invitae), Labcorp
Classification: Uncertain significance for Familial adenomatous polyposis 1. Last evaluated: 2025-11-10. Review status: criteria provided, single submitter. Criteria: Invitae Variant Classification Sherloc (09022015). Collection method: clinical testing. Allele origin: germline.
Comment: This sequence change replaces lysine, which is basic and polar, with glutamic acid, which is acidic and polar, at codon 2553 of the APC protein (p.Lys2553Glu). This variant is present in population databases (rs772318413, gnomAD 0.006%). This variant has not been reported in the literature in individuals affected with APC-related conditions. ClinVar contains an entry for this variant (Variation ID: 1027327). Invitae Evidence Modeling of protein sequence and biophysical properties (such as structural, functional, and spatial information, amino acid conservation, physicochemical variation, residue mobility, and thermodynamic stability) indicates that this missense variant is not expected to disrupt APC protein function with a negative predictive value of 95%. In summary, the available evidence is currently insufficient to determine the role of this variant in disease. Therefore, it has been classified as a Variant of Uncertain Significance.